The following is an entry in ClinVar:

NM_001735.3(C5):c.3412C>G (p.Arg1138Gly)

Gene: C5 (complement C5; minus strand). Cytogenetic location: 9q33.2.
Variant type: single nucleotide variant.
Coding change: c.3412C>G on transcript NM_001735.3 (MANE Select); coding-DNA position 3412, C replaced by G.
Protein change: p.Arg1138Gly; replaces arginine 1138 with glycine.
Molecular consequence: missense variant.
Genome position (GRCh38, 1-based): chr9:120,981,918, G>C on the plus strand (C>G on the coding strand, the complement: C5 is on the minus strand). VCF-style: chr9-120981918-G-C. GRCh37 (hg19) VCF-style: chr9-123744196-G-C.
Other names: c.3430C>G, p.Arg1144Gly (NM_001317163.2); short protein forms R1144G, R1138G.
Identifiers: ClinVar variation 1366986 (VCV001366986.7), dbSNP rs184484615, ClinGen allele CA5217481.
Genomic context (GRCh38, chr9:120,981,918, plus strand): 5'-TATCGAAAGCCTTTCTAATTCCAATCACAGTAAAGGCTGTAAGATATAAGCTGTTCTCTC[G>C]GGCTTCAACAGGCAAGGTACCCTAAAAAGAAGCAATGTTTTAAAAGGGGAGTGAAATGGT-3'
Protein context (NP_001726.2, residues 1128-1148): KLQGTLPVEA[Arg1138Gly]ENSLYLTAFT

ClinVar aggregate classification (germline): Uncertain significance (1 of 4 stars; one submission).

Allele frequency attached by ClinVar (database versions not stated): TOPMed below 0.00001; ExAC 0.00003.
gnomAD v4.1: 11 of 1,613,694 alleles (0.00068%); highest among the groups gnomAD compares: East Asian, 0.0045%; no homozygotes.

Submission:

Labcorp Genetics (formerly Invitae), Labcorp
Classification: Uncertain significance. Last evaluated: 2022-05-28. Review status: criteria provided, single submitter. Criteria: Invitae Variant Classification Sherloc (09022015). Collection method: clinical testing. Allele origin: germline.
Comment: This sequence change replaces arginine, which is basic and polar, with glycine, which is neutral and non-polar, at codon 1138 of the C5 protein (p.Arg1138Gly). In summary, the available evidence is currently insufficient to determine the role of this variant in disease. Therefore, it has been classified as a Variant of Uncertain Significance. Algorithms developed to predict the effect of missense changes on protein structure and function (SIFT, PolyPhen-2, Align-GVGD) all suggest that this variant is likely to be tolerated. ClinVar contains an entry for this variant (Variation ID: 1366986). This variant has not been reported in the literature in individuals affected with C5-related conditions. This variant is present in population databases (rs184484615, gnomAD 0.01%).